The following is an entry in ClinVar:

NM_031433.4(MFRP):c.48G>A (p.Ser16=)

Genes: C1QTNF5 (C1q and TNF related 5; minus strand), MFRP (membrane frizzled-related protein; minus strand). Cytogenetic location: 11q23.3.
Variant type: single nucleotide variant.
Coding change: c.48G>A on transcript NM_031433.4 (MANE Select); coding-DNA position 48, G replaced by A.
Protein change: p.Ser16=; no amino-acid change (serine 16 retained).
Molecular consequence: synonymous variant. On other transcripts: 5 prime UTR variant (1).
Genome position (GRCh38, 1-based): chr11:119,346,466, C>T on the plus strand (G>A on the coding strand, the complement: MFRP is on the minus strand). VCF-style: chr11-119346466-C-T. GRCh37 (hg19) VCF-style: chr11-119217176-C-T.
Other names: c.-2589G>A (NM_015645.5).
Identifiers: ClinVar variation 1593598 (VCV001593598.14), dbSNP rs371836189, ClinGen allele CA6320735.

ClinVar aggregate classification (germline): Likely benign. Review status: criteria provided, multiple submitters, no conflicts (2 of 4 stars). 3 submissions from 3 submitters: Likely benign (3). Last evaluated 2026-03-01.

Conditions:
Isolated microphthalmia 5. Also called: Posterior Microphthalmia with Retinitis Pigmentosa, Foveoschisis, and Optic Disc Drusen. Identifiers: Orphanet 251279, MedGen C1970236, MONDO:0012605, OMIM 611040.

Allele frequency attached by ClinVar (database versions not stated): TOPMed 0.00028; 1000 Genomes Project 0.00080; ExAC 0.00017; gnomAD 0.00026; ESP Exome Variant Server 0.00046; 1000 Genomes Project 30x 0.00062.
gnomAD v4.1: 187 of 1,614,096 alleles (0.012%); highest among the groups gnomAD compares: African/African-American, 0.055%; 1 homozygote.

Submissions (3):

CeGaT Center for Human Genetics Tuebingen
Classification: Likely benign. Last evaluated: 2026-03-01. Review status: criteria provided, single submitter. Criteria: CeGaT Center For Human Genetics Tuebingen Variant Classification Criteria Version 2. Collection method: clinical testing. Allele origin: germline. Affected: yes. Observed: 1 variant allele.
Comment: MFRP: BP4, BP7

Labcorp Genetics (formerly Invitae), Labcorp
Classification: Likely benign for Isolated microphthalmia 5. Last evaluated: 2026-01-12. Review status: criteria provided, single submitter. Criteria: Invitae Variant Classification Sherloc (09022015). Collection method: clinical testing. Allele origin: germline.

Blueprint Genetics
Classification: Likely benign. Last evaluated: 2024-06-19. Review status: criteria provided, single submitter. Criteria: ACMG Guidelines, 2015. Collection method: clinical testing. Allele origin: germline.